The following is an entry in ClinVar:

ClinVar aggregate classification (germline): Benign/Likely benign. Review status: criteria provided, multiple submitters, no conflicts (2 of 4 stars). 4 submissions from 4 submitters: Benign (2); Likely benign (2). Last evaluated 2026-01-19.

Allele frequency attached by ClinVar (database versions not stated): 1000 Genomes Project 0.00439; 1000 Genomes Project 30x 0.00515; gnomAD 0.00775; TOPMed 0.00859; ESP Exome Variant Server 0.00873.
gnomAD v4.1: 16,659 of 1,607,410 alleles (1%); highest among the groups gnomAD compares: Non-Finnish European, 1.3%; 127 homozygotes.

Submissions (4):

Labcorp Genetics (formerly Invitae), Labcorp
Classification: Benign. Last evaluated: 2026-01-19. Review status: criteria provided, single submitter. Criteria: Invitae Variant Classification Sherloc (09022015). Collection method: clinical testing. Allele origin: germline.

CeGaT Center for Human Genetics Tuebingen
Classification: Benign. Last evaluated: 2025-09-01. Review status: criteria provided, single submitter. Criteria: CeGaT Center For Human Genetics Tuebingen Variant Classification Criteria Version 2. Collection method: clinical testing. Allele origin: germline. Affected: yes. Observed: 6 variant alleles.
Comment: TENM3: BS1, BS2

GeneDx
Classification: Likely benign. Last evaluated: 2022-10-01. Review status: criteria provided, single submitter. Criteria: GeneDx Variant Classification Process June 2021. Collection method: clinical testing. Allele origin: germline. Affected: yes.
Comment: See Variant Classification Assertion Criteria.

Breakthrough Genomics
Classification: Likely benign. Review status: criteria provided, single submitter. Criteria: ACMG Guidelines, 2015. Collection method: not provided. Allele origin: germline. Inheritance: Autosomal recessive inheritance. Affected: yes.

NM_001080477.4(TENM3):c.1763G>C (p.Gly588Ala)

Gene: TENM3 (teneurin transmembrane protein 3; plus strand). Cytogenetic location: 4q35.1.
Variant type: single nucleotide variant.
Coding change: c.1763G>C on transcript NM_001080477.4 (MANE Select); coding-DNA position 1763, G replaced by C.
Protein change: p.Gly588Ala; replaces glycine 588 with alanine.
Molecular consequence: missense variant.
Genome position (GRCh38, 1-based): chr4:182,680,666, G>C. VCF-style: chr4-182680666-G-C. GRCh37 (hg19) VCF-style: chr4-183601819-G-C.
Other names: short protein forms G588A.
Identifiers: ClinVar variation 777806 (VCV000777806.37), dbSNP rs147269509, ClinGen allele CA3147793.